The following is an entry in ClinVar:

NM_000179.3(MSH6):c.2392C>G (p.Leu798Val)

Gene: MSH6 (mutS homolog 6; plus strand). Cytogenetic location: 2p16.3.
Variant type: single nucleotide variant.
Coding change: c.2392C>G on transcript NM_000179.3 (MANE Select); coding-DNA position 2392, C replaced by G.
Protein change: p.Leu798Val; replaces leucine 798 with valine.
Molecular consequence: missense variant.
Genome position (GRCh38, 1-based): chr2:47,800,375, C>G. VCF-style: chr2-47800375-C-G. GRCh37 (hg19) VCF-style: chr2-48027514-C-G.
Other names: c.2002C>G, p.Leu668Val (NM_001281492.2); c.1486C>G, p.Leu496Val (NM_001281493.2, NM_001281494.2); short protein forms L798V, L496V, L668V.
Identifiers: ClinVar variation 89278 (VCV000089278.18), dbSNP rs587779238, ClinGen allele CA010176.

ClinVar aggregate classification (germline): Conflicting classifications of pathogenicity. Review status: criteria provided, conflicting classifications (1 of 4 stars). 5 submissions from 5 submitters: Uncertain significance (4); Likely benign (1). Last evaluated 2025-05-06.

Conditions:
Hereditary nonpolyposis colorectal neoplasms. Identifiers: MedGen C0009405, MeSH D003123.
Lynch syndrome. Identifiers: Orphanet 144, MedGen C4552100, MONDO:0005835. Disease mechanism: loss of function.
Hereditary cancer-predisposing syndrome. Also called: Tumor predisposition; Hereditary Cancer Syndrome; Hereditary neoplastic syndrome; Neoplastic Syndromes, Hereditary. Identifiers: Orphanet 140162, MedGen C0027672, MeSH D009386, MONDO:0015356.
Inherited polyposis and early onset colorectal cancer - germline testing.

Allele frequency attached by ClinVar (database versions not stated): gnomAD exomes below 0.00001; TOPMed below 0.00001.

Submissions (5):

Labcorp Genetics (formerly Invitae), Labcorp
Classification: Likely benign for Hereditary nonpolyposis colorectal neoplasms. Last evaluated: 2025-05-06. Review status: criteria provided, single submitter. Criteria: Invitae Variant Classification Sherloc (09022015). Collection method: clinical testing. Allele origin: germline.

Ambry Genetics
Classification: Uncertain significance for Hereditary cancer-predisposing syndrome. Last evaluated: 2025-04-18. Review status: criteria provided, single submitter. Criteria: Ambry Variant Classification Scheme 2023. Collection method: clinical testing. Allele origin: germline.
Comment: The p.L798V variant (also known as c.2392C>G), located in coding exon 4 of the MSH6 gene, results from a C to G substitution at nucleotide position 2392. The leucine at codon 798 is replaced by valine, an amino acid with highly similar properties. This amino acid position is highly conserved in available vertebrate species. In addition, this alteration is predicted to be deleterious by in silico analysis. Based on the available evidence, the clinical significance of this variant remains unclear.

Genomics and Molecular Medicine Service, East Genomic Laboratory Hub, NHS Genomic Medicine Service
Classification: Uncertain significance for Inherited polyposis and early onset colorectal cancer - germline testing. Last evaluated: 2024-11-19. Review status: criteria provided, single submitter. Criteria: ACGS Best Practice Guidelines for Variant Classification in Rare Disease 2020. Collection method: clinical testing. Allele origin: germline. Affected: yes.
Comment: PM2_Supporting,PP3

All of Us Research Program, National Institutes of Health
Classification: Uncertain significance for Lynch syndrome. Last evaluated: 2023-05-08. Review status: criteria provided, single submitter. Criteria: ACMG Guidelines, 2015. Collection method: clinical testing. Allele origin: germline. Inheritance: Autosomal dominant inheritance. Observed: 1 variant allele, 1 heterozygote.
Comment: This missense variant replaces leucine with valine at codon 798 of the MSH6 protein. Computational prediction suggests that this variant may have deleterious impact on protein structure and function (internally defined REVEL score threshold >= 0.7, PMID: 27666373). To our knowledge, functional studies have not been reported for this variant. This variant has been identified in 1/250846 chromosomes in the general population by the Genome Aggregation Database (gnomAD). The available evidence is insufficient to determine the role of this variant in disease conclusively. Therefore, this variant is classified as a Variant of Uncertain Significance.

This study involves interpretation of variants in research participants for the purpose of population health screening. Participant phenotype was not available at the time of variant classification. Additional details can be found in publication PMID: 35346344, PMCID: PMC8962531

Color Diagnostics, LLC DBA Color Health
Classification: Uncertain significance for Hereditary cancer-predisposing syndrome. Last evaluated: 2022-08-01. Review status: criteria provided, single submitter. Criteria: ACMG Guidelines, 2015. Collection method: clinical testing. Allele origin: germline.
Comment: This missense variant replaces leucine with valine at codon 798 of the MSH6 protein. Computational prediction suggests that this variant may have deleterious impact on protein structure and function (internally defined REVEL score threshold >= 0.7, PMID: 27666373). To our knowledge, functional studies have not been reported for this variant. This variant has been identified in 1/250846 chromosomes in the general population by the Genome Aggregation Database (gnomAD). The available evidence is insufficient to determine the role of this variant in disease conclusively. Therefore, this variant is classified as a Variant of Uncertain Significance.

Literature cited by the submitters: PubMed 26333163 (cited by Ambry Genetics).